The following is an entry in ClinVar:

ClinVar aggregate classification (germline): Likely benign (1 of 4 stars; one submission).

Allele frequency attached by ClinVar (database versions not stated): 1000 Genomes Project 0.00020; 1000 Genomes Project 30x 0.00031; gnomAD exomes 0.00082; ESP Exome Variant Server 0.00087; gnomAD 0.00089; TOPMed 0.00104; ExAC 0.00122.

Submission:

CeGaT Center for Human Genetics Tuebingen
Classification: Likely benign. Last evaluated: 2023-11-01. Review status: criteria provided, single submitter. Criteria: CeGaT Center For Human Genetics Tuebingen Variant Classification Criteria Version 2. Collection method: clinical testing. Allele origin: germline. Affected: yes. Observed: 1 variant allele.
Comment: MUC16: BP4, BS2

NM_001401501.2(MUC16):c.16399G>A (p.Val5467Ile)

Genes: MUC16 (mucin 16, cell surface associated; minus strand), LOC126862848 (P300/CBP strongly-dependent group 1 enhancer GRCh37_chr19:9070485-9071684; plus strand). Cytogenetic location: 19p13.2.
Variant type: single nucleotide variant.
Coding change: c.16399G>A on transcript NM_001401501.2 (MANE Select); coding-DNA position 16399, G replaced by A.
Protein change: p.Val5467Ile; replaces valine 5467 with isoleucine.
Molecular consequence: missense variant.
Genome position (GRCh38, 1-based): chr19:8,960,491, C>T on the plus strand (G>A on the coding strand, the complement: MUC16 is on the minus strand). VCF-style: chr19-8960491-C-T. GRCh37 (hg19) VCF-style: chr19-9071167-C-T.
Other names: c.16825G>A, p.Val5609Ile (NM_001414686.1); c.16279G>A, p.Val5427Ile (NM_001414687.1, NM_024690.2); short protein forms V5427I, V5467I, V5609I.
Identifiers: ClinVar variation 2672742 (VCV002672742.23), dbSNP rs200287868, ClinGen allele CA9170197.
Genomic context (GRCh38, chr19:8,960,491, plus strand): 5'-ATGTCTCTGAGTCAGCTAGGACAGAGGATTGTGATTTATGTCCAGACCCGGAAGTCCCTA[C>T]ATTGGTCACTGCGGTGTTTGTGGAATGATGCATGGCGGCTTCTGTGTGTGCAGTGTCTTT-3'
Protein context (NP_001388430.1, residues 5457-5477): HHSTNTAVTN[Val5467Ile]GTSGSGHKSQ